The following is an entry in ClinVar:

ClinVar aggregate classification (germline): Conflicting classifications of pathogenicity. Review status: criteria provided, conflicting classifications (1 of 4 stars). 3 submissions from 3 submitters: Uncertain significance (1); Likely benign (2). Last evaluated 2025-07-23.

Conditions:
Cardiomyopathy (CMYO). Also called: Cardiomyopathies. Identifiers: Orphanet 167848, MedGen C0878544, MONDO:0004994, HP:0001638. Inheritance: Various modes of inheritance.
Arrhythmogenic cardiomyopathy with wooly hair and keratoderma. Also called: PALMOPLANTAR KERATODERMA WITH LEFT VENTRICULAR CARDIOMYOPATHY AND WOOLLY HAIR; Dilated cardiomyopathy with woolly hair and keratoderma; Arrhythmogenic cardiomyopathy with woolly hair and keratoderma; Carvajal syndrome. Identifiers: Orphanet 65282, MedGen C1854063, MONDO:0011581, OMIM 605676.
Arrhythmogenic right ventricular dysplasia 8 (ARVD8). Also called: ARRHYTHMOGENIC RIGHT VENTRICULAR DYSPLASIA, FAMILIAL, 8; ARRHYTHMOGENIC RIGHT VENTRICULAR CARDIOMYOPATHY 8; Arrhythmogenic Right Ventricular Dysplasia/Cardiomyopathy 8. Identifiers: MedGen C1843896, MONDO:0011831, OMIM 607450.

Submissions (3):

Labcorp Genetics (formerly Invitae), Labcorp
Classification: Likely benign for Arrhythmogenic cardiomyopathy with wooly hair and keratoderma; Arrhythmogenic right ventricular dysplasia 8. Last evaluated: 2025-07-23. Review status: criteria provided, single submitter. Criteria: Invitae Variant Classification Sherloc (09022015). Collection method: clinical testing. Allele origin: germline.

Color Diagnostics, LLC DBA Color Health
Classification: Likely benign for Cardiomyopathy. Last evaluated: 2025-06-24. Review status: criteria provided, single submitter. Criteria: ACMG Guidelines, 2015. Collection method: clinical testing. Allele origin: germline.

All of Us Research Program, National Institutes of Health
Classification: Uncertain significance for Arrhythmogenic cardiomyopathy with wooly hair and keratoderma. Last evaluated: 2023-05-16. Review status: criteria provided, single submitter. Criteria: ACMG Guidelines, 2015. Collection method: clinical testing. Allele origin: germline. Inheritance: Autosomal dominant inheritance. Observed: 2 variant alleles, 2 heterozygotes.
Comment: This variant causes a deletion of eight nucleotides in intron 23 of the DSP gene. To our knowledge, functional studies have not been reported for this variant. This variant has not been reported in individuals affected with DSP-related disorders in the literature. This variant has been identified in 2/281674 chromosomes in the general population by the Genome Aggregation Database (gnomAD). The available evidence is insufficient to determine the role of this variant in disease conclusively. Therefore, this variant is classified as a Variant of Uncertain Significance.

This study involves interpretation of variants in research participants for the purpose of population health screening. Participant phenotype was not available at the time of variant classification. Additional details can be found in publication PMID: 35346344, PMCID: PMC8962531

NM_004415.4(DSP):c.5380-20_5380-13del

Gene: DSP (desmoplakin; plus strand). Cytogenetic location: 6p24.3.
Variant type: Deletion.
Coding change: c.5380-20_5380-13del on transcript NM_004415.4 (MANE Select); 20 bases into the intron before coding-DNA position 5380 through 13 bases into the intron before coding-DNA position 5380, 8 bases deleted (TCTTTCTT; older notation c.5380-20_5380-13delTCTTTCTT).
Molecular consequence: intron variant.
Genome position (GRCh38, 1-based): chr6:7,582,622-7,582,629, TCTTTCTT deleted; deleting any 8 consecutive bases within chr6:7,582,620-7,582,629 gives the same sequence; the c. name uses the placement nearest the transcript's 3' end. VCF-style (leftmost placement, unchanged base first): chr6-7582619-ATTTCTTTC-A. GRCh37 (hg19) VCF-style: chr6-7582852-ATTTCTTTC-A.
Other names: c.4051-20_4051-13del (NM_001319034.2); c.3583-20_3583-13del (NM_001008844.3).
Identifiers: ClinVar variation 2137576 (VCV002137576.6), dbSNP rs749396563, ClinGen allele CA044794.